The following is an entry in ClinVar:

ClinVar aggregate classification (germline): Uncertain significance (1 of 4 stars; one submission).

Conditions:
VEGFC-related disorder. Also called: VEGFC-related condition.

Submission:

PreventionGenetics, part of Exact Sciences
Classification: Uncertain significance for VEGFC-related condition. Last evaluated: 2023-02-18. Review status: criteria provided, single submitter. Criteria: ACMG Guidelines, 2015. Collection method: clinical testing. Allele origin: germline.
Comment: The VEGFC c.913G>T variant is predicted to result in premature protein termination (p.Gly305*). To our knowledge, this variant has not been reported in the literature or in a large population database, indicating this variant is rare. Although we suspect that this variant may be pathogenic, at this time, the clinical significance of this variant is uncertain due to the absence of conclusive functional and genetic evidence.

NM_005429.5(VEGFC):c.913G>T (p.Gly305Ter)

Genes: HAFML (HuR (ELAVL1) associated fibroblast migratory lncRNA; plus strand), VEGFC (vascular endothelial growth factor C; minus strand). Cytogenetic location: 4q34.3.
Variant type: single nucleotide variant.
Coding change: c.913G>T on transcript NM_005429.5 (MANE Select); coding-DNA position 913, G replaced by T.
Protein change: p.Gly305Ter; replaces glycine 305 with a stop codon.
Molecular consequence: nonsense.
Genome position (GRCh38, 1-based): chr4:176,687,419, C>A on the plus strand (G>T on the coding strand, the complement: VEGFC is on the minus strand). VCF-style: chr4-176687419-C-A. GRCh37 (hg19) VCF-style: chr4-177608573-C-A.
Other names: short protein forms G305*.
Identifiers: ClinVar variation 2629790 (VCV002629790.1), dbSNP rs2477059409, ClinGen allele CA358824442.